The following is an entry in ClinVar:

ClinVar aggregate classification (germline): Pathogenic (1 of 4 stars; one submission).

Conditions:
Hereditary cancer-predisposing syndrome. Also called: Hereditary Cancer Syndrome; Hereditary neoplastic syndrome; Neoplastic Syndromes, Hereditary; Tumor predisposition. Identifiers: Orphanet 140162, MedGen C0027672, MeSH D009386, MONDO:0015356.

Submission:

Ambry Genetics
Classification: Pathogenic for Hereditary cancer-predisposing syndrome. Last evaluated: 2025-06-09. Review status: criteria provided, single submitter. Criteria: Ambry Variant Classification Scheme 2023. Collection method: clinical testing. Allele origin: germline.
Comment: The c.2221_2233del13 pathogenic mutation, located in coding exon 4 of the MSH6 gene, results from a deletion of 13 nucleotides at nucleotide positions 2221 to 2233, causing a translational frameshift with a predicted alternate stop codon (p.N741Ffs*3). This variant is considered to be rare based on population cohorts in the Genome Aggregation Database (gnomAD). This alteration is expected to result in loss of function by premature protein truncation or nonsense-mediated mRNA decay. As such, this alteration is interpreted as a disease-causing mutation.

NM_000179.3(MSH6):c.2221_2233del (p.Asn741fs)

Gene: MSH6 (mutS homolog 6; plus strand). Cytogenetic location: 2p16.3.
Variant type: Deletion.
Coding change: c.2221_2233del on transcript NM_000179.3 (MANE Select); coding-DNA positions 2221 to 2233, 13 bases deleted (AACAACTTGGAGA).
Protein change: p.Asn741fs; shifts the reading frame from asparagine 741.
Molecular consequence: frameshift variant. On other transcripts: non-coding transcript variant (5), intron variant (2).
Genome position (GRCh38, 1-based): chr2:47,800,204-47,800,216, AACAACTTGGAGA deleted; deleting any 13 consecutive bases within chr2:47,800,203-47,800,216 gives the same sequence; the c. name uses the placement nearest the transcript's 3' end. VCF-style (leftmost placement, unchanged base first): chr2-47800202-TAAACAACTTGGAG-T. GRCh37 (hg19) VCF-style: chr2-48027341-TAAACAACTTGGAG-T.
Other names: c.1831_1843del, p.Asn611fs (NM_001281492.2); c.1315_1327del, p.Asn439fs (NM_001281493.2, NM_001281494.2, NM_001406811.1 and 6 more transcripts); c.2317_2329del, p.Asn773fs (NM_001406795.1, NM_001406802.1); c.2221_2233del, p.Asn741fs (NM_001406796.1, NM_001406798.1, NM_001406800.1 and 3 more transcripts); c.1924_1936del, p.Asn642fs (NM_001406797.1, NM_001406801.1, NM_001406805.1 and 10 more transcripts); c.1696_1708del, p.Asn566fs (NM_001406799.1, NM_001406806.1, NM_001406807.1); c.2143_2155del, p.Asn715fs (NM_001406804.1); c.2227_2239del, p.Asn743fs (NM_001406813.1); and 4 more; short protein forms N741fs, N439fs, N685fs, N566fs, N611fs, N715fs, N743fs, N642fs.
Identifiers: ClinVar variation 3913723 (VCV003913723.1).